The following is an entry in ClinVar:

ClinVar aggregate classification (germline): Pathogenic (1 of 4 stars; one submission).

Conditions:
Marfan syndrome (MFS). Also called: MARFAN SYNDROME, TYPE I; Marfan syndrome type 1; Marfan's syndrome; Marfan syndrome, classic; FBN1-Related Marfan Syndrome. Identifiers: Orphanet 284963, Orphanet 558, MedGen C0024796, MONDO:0007947, OMIM 154700.
Familial thoracic aortic aneurysm and aortic dissection (TAAD). Also called: Thoracic aortic aneurysms and dissections. Identifiers: Orphanet 91387, MedGen C4707243, MONDO:0019625.

Submission:

Labcorp Genetics (formerly Invitae), Labcorp
Classification: Pathogenic for Marfan syndrome; Familial thoracic aortic aneurysm and aortic dissection. Last evaluated: 2022-12-06. Review status: criteria provided, single submitter. Criteria: Invitae Variant Classification Sherloc (09022015). Collection method: clinical testing. Allele origin: germline.
Comment: ClinVar contains an entry for this variant (Variation ID: 1459307). This variant has not been reported in the literature in individuals affected with FBN1-related conditions. This variant is not present in population databases (gnomAD no frequency). This sequence change creates a premature translational stop signal (p.Cys1326Leufs*87) in the FBN1 gene. It is expected to result in an absent or disrupted protein product. Loss-of-function variants in FBN1 are known to be pathogenic (PMID: 17657824, 19293843). For these reasons, this variant has been classified as Pathogenic.

Literature cited by the submitters: PubMed 17657824; PubMed 19293843.

NM_000138.5(FBN1):c.3977del (p.Cys1326fs)

Gene: FBN1 (fibrillin 1; minus strand). Cytogenetic location: 15q21.1.
Variant type: Deletion.
Coding change: c.3977del on transcript NM_000138.5 (MANE Select); coding-DNA position 3977, one base deleted (G; older notation c.3977delG).
Protein change: p.Cys1326fs; shifts the reading frame from cysteine 1326.
Molecular consequence: frameshift variant.
Genome position (GRCh38, 1-based): chr15:48,474,638, C deleted on the plus strand (G on the coding strand, the reverse complement: FBN1 is on the minus strand). VCF-style (leftmost placement, unchanged base first): chr15-48474637-AC-A. GRCh37 (hg19) VCF-style: chr15-48766834-AC-A.
Other names: short protein forms C1326fs.
Identifiers: ClinVar variation 1459307 (VCV001459307.6), dbSNP rs2141280278, ClinGen allele CA2573150764.